The following is an entry in ClinVar:

ClinVar aggregate classification (germline): Uncertain significance (1 of 4 stars; one submission).

gnomAD v4.1: 2 of 1,614,124 alleles (0.00012%); highest among the groups gnomAD compares: Non-Finnish European, 0.000085%; no homozygotes.

Submission:

GeneDx
Classification: Uncertain significance. Last evaluated: 2025-09-16. Review status: criteria provided, single submitter. Criteria: GeneDx Variant Classification Process June 2021. Collection method: clinical testing. Allele origin: germline. Affected: yes.
Comment: Has not been previously published as pathogenic or benign to our knowledge; Not observed at significant frequency in large population cohorts (gnomAD); In silico analysis supports that this missense variant has a deleterious effect on protein structure/function

NM_003995.4(NPR2):c.2762G>C (p.Arg921Pro)

Genes: NPR2 (natriuretic peptide receptor 2; plus strand), SPAG8 (sperm associated antigen 8; minus strand). Cytogenetic location: 9p13.3.
Variant type: single nucleotide variant.
Coding change: c.2762G>C on transcript NM_003995.4 (MANE Select); coding-DNA position 2762, G replaced by C.
Protein change: p.Arg921Pro; replaces arginine 921 with proline.
Molecular consequence: missense variant. On other transcripts: intron variant (2).
Genome position (GRCh38, 1-based): chr9:35,808,558, G>C. VCF-style: chr9-35808558-G-C. GRCh37 (hg19) VCF-style: chr9-35808555-G-C.
Other names: c.2771G>C, p.Arg924Pro (NM_001378923.1); c.1201-252C>G (NM_001366760.2); c.1373-252C>G (NM_172312.2); short protein forms R921P, R924P.
Identifiers: ClinVar variation 4813893 (VCV004813893.1).